The following is an entry in ClinVar:

NM_020435.4(GJC2):c.536C>T (p.Thr179Ile)

Gene: GJC2 (gap junction protein gamma 2; plus strand). Cytogenetic location: 1q42.13.
Variant type: single nucleotide variant.
Coding change: c.536C>T on transcript NM_020435.4 (MANE Select); coding-DNA position 536, C replaced by T.
Protein change: p.Thr179Ile; replaces threonine 179 with isoleucine.
Molecular consequence: missense variant.
Genome position (GRCh38, 1-based): chr1:228,158,294, C>T. VCF-style: chr1-228158294-C-T. GRCh37 (hg19) VCF-style: chr1-228345995-C-T.
Other names: short protein forms T179I.
Identifiers: ClinVar variation 4282469 (VCV004282469.1).

ClinVar aggregate classification (germline): Uncertain significance (1 of 4 stars; one submission).

Submission:

GeneDx
Classification: Uncertain significance. Last evaluated: 2025-04-07. Review status: criteria provided, single submitter. Criteria: GeneDx Variant Classification Process June 2021. Collection method: clinical testing. Allele origin: germline. Affected: yes.
Comment: Not observed at significant frequency in large population cohorts (gnomAD); In silico analysis indicates that this missense variant does not alter protein structure/function; Has not been previously published as pathogenic or benign to our knowledge